The following is an entry in ClinVar:

NM_000038.6(APC):c.8130T>G (p.Ser2710Arg)

Gene: APC (APC regulator of WNT signaling pathway; plus strand). Cytogenetic location: 5q22.2.
Variant type: single nucleotide variant.
Coding change: c.8130T>G on transcript NM_000038.6 (MANE Select); coding-DNA position 8130, T replaced by G.
Protein change: p.Ser2710Arg; replaces serine 2710 with arginine.
Molecular consequence: missense variant.
Genome position (GRCh38, 1-based): chr5:112,843,724, T>G. VCF-style: chr5-112843724-T-G. GRCh37 (hg19) VCF-style: chr5-112179421-T-G.
Other names: c.8130T>G, p.Ser2710Arg (NM_001127510.3, NM_001354895.2); c.8076T>G, p.Ser2692Arg (NM_001127511.3); c.8184T>G, p.Ser2728Arg (NM_001354896.2); c.8160T>G, p.Ser2720Arg (NM_001354897.2); c.8055T>G, p.Ser2685Arg (NM_001354898.2); c.8046T>G, p.Ser2682Arg (NM_001354899.2); c.8007T>G, p.Ser2669Arg (NM_001354900.2); c.7953T>G, p.Ser2651Arg (NM_001354901.2); and 5 more; short protein forms S2692R, S2710R, S2550R, S2584R, S2720R, S2669R, S2682R, S2685R.
Identifiers: ClinVar variation 83250 (VCV000083250.2), dbSNP rs78176192, ClinGen allele CA014355.

ClinVar aggregate classification (germline): other (0 of 4 stars; one submission).

Conditions:
Familial colorectal cancer. Identifiers: MedGen CN280943, MONDO:0023113. Disease mechanism: loss of function.

Submission:

Systems Biology Platform Zhejiang California International NanoSystems Institute
Classification: other for Familial colorectal cancer. Review status: no assertion criteria provided. Collection method: not provided. Allele origin: unknown.
ClinVar note: Converted during submission from cancer to other.